The following is an entry in ClinVar:

ClinVar aggregate classification (germline): Benign/Likely benign. Review status: criteria provided, multiple submitters, no conflicts (2 of 4 stars). 4 submissions from 4 submitters: Benign (1); Likely benign (2). 1 of the submissions does not count toward it. Last evaluated 2025-12-05.

Conditions:
KBG syndrome (KBGS). Also called: ANKRD11-Related KBG Syndrome. Identifiers: Orphanet 2332, MedGen C0220687, MONDO:0007846, OMIM 148050.
Inborn genetic diseases. Identifiers: MedGen C0950123, MeSH D030342.

Allele frequency attached by ClinVar (database versions not stated): gnomAD 0.00006 and 0.00009; gnomAD exomes 0.00006 and 0.00010; ExAC 0.00011; TOPMed 0.00011; 1000 Genomes Project 30x 0.00016; 1000 Genomes Project 0.00020; ESP Exome Variant Server 0.00023.
gnomAD v4.1: 106 of 1,613,750 alleles (0.0066%); highest among the groups gnomAD compares: Admixed American, 0.012%; no homozygotes.

Submissions (4):

Labcorp Genetics (formerly Invitae), Labcorp
Classification: Benign for KBG syndrome. Last evaluated: 2025-12-05. Review status: criteria provided, single submitter. Criteria: Invitae Variant Classification Sherloc (09022015). Collection method: clinical testing. Allele origin: germline.

Blueprint Genetics
Classification: Likely benign. Last evaluated: 2024-04-11. Review status: criteria provided, single submitter. Criteria: ACMG Guidelines, 2015. Collection method: clinical testing. Allele origin: germline.

Ambry Genetics
Classification: Likely benign for Inborn genetic diseases. Last evaluated: 2018-05-22. Review status: criteria provided, single submitter. Criteria: Ambry Variant Classification Scheme 2023. Collection method: clinical testing. Allele origin: germline.

Department of Pathology and Laboratory Medicine, Sinai Health System
Classification: Uncertain significance. Review status: no assertion criteria provided. Collection method: clinical testing. Allele origin: unknown. Affected: yes. Study: The Canadian Open Genetics Repository (COGR). Not counted in ClinVar's aggregate classification.
Comment: The ANKRD11 p.A64A variant was not identified in the literature nor was it identified in ClinVar, Cosmic, or LOVD 3.0. The variant was identified in dbSNP (ID: rs200665093) and in control databases in 25 of 282360 chromosomes at a frequency of 0.000089 (Genome Aggregation Database Feb 27, 2017). The variant was observed in the following populations: European (non-Finnish) in 19 of 128870 chromosomes (freq: 0.000147), Other in 1 of 7210 chromosomes (freq: 0.000139), Latino in 4 of 35402 chromosomes (freq: 0.000113) and East Asian in 1 of 19950 chromosomes (freq: 0.00005), but was not observed in the African, Ashkenazi Jewish, European (Finnish) or South Asian populations. The p.A64A variant is not expected to have clinical significance because it does not result in a change of amino acid and is not located in a known consensus splice site. However, four of four in silico or computational prediction software programs (SpliceSiteFinder, MaxEntScan, NNSPLICE, GeneSplicer) predict a greater than 10% difference in splicing and the creation of a new 3â€šÃ„Ã´ splice site. However, this information is not predictive enough to assume pathogenicity. In summary, based on the above information the clinical significance of this variant cannot be determined with certainty at this time. This variant is classified as a variant of uncertain significance.

NM_013275.6(ANKRD11):c.192G>A (p.Ala64=)

Gene: ANKRD11 (ankyrin repeat domain 11; minus strand). Cytogenetic location: 16q24.3.
Variant type: single nucleotide variant.
Coding change: c.192G>A on transcript NM_013275.6 (MANE Select); coding-DNA position 192, G replaced by A.
Protein change: p.Ala64=; no amino-acid change (alanine 64 retained).
Molecular consequence: synonymous variant. On other transcripts: non-coding transcript variant (1).
Genome position (GRCh38, 1-based): chr16:89,305,240, C>T on the plus strand (G>A on the coding strand, the complement: ANKRD11 is on the minus strand). VCF-style: chr16-89305240-C-T. GRCh37 (hg19) VCF-style: chr16-89371648-C-T.
Other names: c.192G>A, p.Ala64= (NM_001256182.2, NM_001256183.2).
Identifiers: ClinVar variation 1049093 (VCV001049093.10), dbSNP rs200665093, ClinGen allele CA8243203.